The following is an entry in ClinVar:

ClinVar aggregate classification (germline): Uncertain significance (1 of 4 stars; one submission).

Conditions:
Asphyxiating thoracic dystrophy 5 (SRTD5). Also called: SHORT-RIB THORACIC DYSPLASIA 5 WITH OR WITHOUT POLYDACTYLY; SHORT-RIB THORACIC DYSPLASIA 5 WITHOUT POLYDACTYLY. Identifiers: Orphanet 474, MedGen C3280598, MONDO:0013717, OMIM 614376.
Senior-Loken syndrome 8 (SLSN8). Identifiers: Orphanet 3156, MedGen C4225376, MONDO:0014579, OMIM 616307.

Allele frequency attached by ClinVar (database versions not stated): gnomAD 0.00001; ExAC 0.00002; TOPMed 0.00002.

Submission:

Labcorp Genetics (formerly Invitae), Labcorp
Classification: Uncertain significance for Senior-Loken syndrome 8; Asphyxiating thoracic dystrophy 5. Last evaluated: 2024-04-16. Review status: criteria provided, single submitter. Criteria: Invitae Variant Classification Sherloc (09022015). Collection method: clinical testing. Allele origin: germline.
Comment: This sequence change replaces valine, which is neutral and non-polar, with isoleucine, which is neutral and non-polar, at codon 945 of the WDR19 protein (p.Val945Ile). This variant is present in population databases (rs747830344, gnomAD 0.006%). This variant has not been reported in the literature in individuals affected with WDR19-related conditions. ClinVar contains an entry for this variant (Variation ID: 1988833). Advanced modeling of protein sequence and biophysical properties (such as structural, functional, and spatial information, amino acid conservation, physicochemical variation, residue mobility, and thermodynamic stability) has been performed at Invitae for this missense variant, however the output from this modeling did not meet the statistical confidence thresholds required to predict the impact of this variant on WDR19 protein function. In summary, the available evidence is currently insufficient to determine the role of this variant in disease. Therefore, it has been classified as a Variant of Uncertain Significance.

NM_025132.4(WDR19):c.2833G>A (p.Val945Ile)

Gene: WDR19 (WD repeat domain 19; plus strand). Cytogenetic location: 4p14.
Variant type: single nucleotide variant.
Coding change: c.2833G>A on transcript NM_025132.4 (MANE Select); coding-DNA position 2833, G replaced by A.
Protein change: p.Val945Ile; replaces valine 945 with isoleucine.
Molecular consequence: missense variant.
Genome position (GRCh38, 1-based): chr4:39,253,249, G>A. VCF-style: chr4-39253249-G-A. GRCh37 (hg19) VCF-style: chr4-39254869-G-A.
Other names: c.2353G>A, p.Val785Ile (NM_001317924.2); short protein forms V945I, V785I.
Identifiers: ClinVar variation 1988833 (VCV001988833.3), dbSNP rs747830344, ClinGen allele CA2892197.